The following is an entry in ClinVar:

ClinVar aggregate classification (germline): Likely pathogenic (1 of 4 stars; one submission).

Conditions:
TH-deficient dopa-responsive dystonia. Also called: Segawa syndrome, autosomal recessive; DYT-TH; Tyrosine Hydroxylase-Deficient Dopa-Responsive Dystonia. Identifiers: Orphanet 101150, MedGen C2673535, MONDO:0011551, OMIM 605407.

Submission:

Myriad Genetics, Inc.
Classification: Likely pathogenic for TH-deficient dopa-responsive dystonia. Last evaluated: 2021-11-03. Review status: criteria provided, single submitter. Criteria: Myriad Women's Health Autosomal Recessive and X-Linked Classification Criteria (2021). Collection method: clinical testing. Allele origin: unknown.
Comment: NM_199292.2(TH):c.904C>T(Q302*) is expected to be pathogenic in the context of tyrosine hydroxylase deficiency. This variant is predicted to lead to an abnormal or absent protein product due to the creation of a premature termination codon in TH, a gene where loss-of-function variants are known to be pathogenic. Please note: this variant was assessed in the context of healthy population screening.

NM_000360.4(TH):c.811C>T (p.Gln271Ter)

Gene: TH (tyrosine hydroxylase; minus strand). Cytogenetic location: 11p15.5.
Variant type: single nucleotide variant.
Coding change: c.811C>T on transcript NM_000360.4 (MANE Select); coding-DNA position 811, C replaced by T.
Protein change: p.Gln271Ter; replaces glutamine 271 with a stop codon.
Molecular consequence: nonsense.
Genome position (GRCh38, 1-based): chr11:2,166,917, G>A on the plus strand (C>T on the coding strand, the complement: TH is on the minus strand). VCF-style: chr11-2166917-G-A. GRCh37 (hg19) VCF-style: chr11-2188147-G-A.
Other names: c.892C>T, p.Gln298Ter (NM_199293.3); c.904C>T, p.Gln302Ter (NM_199292.3); short protein forms Q271*, Q298*, Q302*.
Identifiers: ClinVar variation 1724065 (VCV001724065.2), dbSNP rs2495805308, ClinGen allele CA379126612.